The following is an entry in ClinVar:

ClinVar aggregate classification (germline): Uncertain significance. Review status: criteria provided, multiple submitters, no conflicts (2 of 4 stars). 2 submissions from 2 submitters: Uncertain significance (2). Last evaluated 2025-03-10.

Conditions:
Hereditary cancer-predisposing syndrome. Also called: Neoplastic Syndromes, Hereditary; Tumor predisposition; Hereditary Cancer Syndrome; Hereditary neoplastic syndrome. Identifiers: Orphanet 140162, MedGen C0027672, MeSH D009386, MONDO:0015356.
Gastrointestinal stromal tumor. Also called: Gastrointestinal stromal tumor, somatic; Gastrointestinal stroma tumor. Identifiers: Orphanet 44890, MedGen C0238198, MeSH D046152, MONDO:0011719, OMIM 606764, HP:0100723.

gnomAD v4.1: 1 of 1,614,038 alleles (0.000062%); highest among the groups gnomAD compares: South Asian, 0.0011%; no homozygotes.

Submissions (2):

Ambry Genetics
Classification: Uncertain significance for Hereditary cancer-predisposing syndrome. Last evaluated: 2025-03-10. Review status: criteria provided, single submitter. Criteria: Ambry Variant Classification Scheme 2023. Collection method: clinical testing. Allele origin: germline.
Comment: The p.R346T variant (also known as c.1037G>C), located in coding exon 6 of the PDGFRA gene, results from a G to C substitution at nucleotide position 1037. The arginine at codon 346 is replaced by threonine, an amino acid with similar properties. This amino acid position is conserved. In addition, this alteration is predicted to be tolerated by in silico analysis. Based on the available evidence, the clinical significance of this variant remains unclear.

Labcorp Genetics (formerly Invitae), Labcorp
Classification: Uncertain significance for Gastrointestinal stromal tumor. Last evaluated: 2024-05-31. Review status: criteria provided, single submitter. Criteria: Invitae Variant Classification Sherloc (09022015). Collection method: clinical testing. Allele origin: germline.
Comment: This sequence change replaces arginine, which is basic and polar, with threonine, which is neutral and polar, at codon 346 of the PDGFRA protein (p.Arg346Thr). This variant is present in population databases (rs78608730, gnomAD 0.003%). This variant has not been reported in the literature in individuals affected with PDGFRA-related conditions. An algorithm developed to predict the effect of missense changes on protein structure and function (PolyPhen-2) suggests that this variant is likely to be tolerated. In summary, the available evidence is currently insufficient to determine the role of this variant in disease. Therefore, it has been classified as a Variant of Uncertain Significance.

NM_006206.6(PDGFRA):c.1037G>C (p.Arg346Thr)

Gene: PDGFRA (platelet derived growth factor receptor alpha; plus strand). Cytogenetic location: 4q12.
Variant type: single nucleotide variant.
Coding change: c.1037G>C on transcript NM_006206.6 (MANE Select); coding-DNA position 1037, G replaced by C.
Protein change: p.Arg346Thr; replaces arginine 346 with threonine.
Molecular consequence: missense variant.
Genome position (GRCh38, 1-based): chr4:54,267,657, G>C. VCF-style: chr4-54267657-G-C. GRCh37 (hg19) VCF-style: chr4-55133824-G-C.
Other names: c.1037G>C, p.Arg346Thr (NM_001347827.2, NM_001347829.2); c.1112G>C, p.Arg371Thr (NM_001347828.2); c.1076G>C, p.Arg359Thr (NM_001347830.2); short protein forms R346T, R371T, R359T.
Identifiers: ClinVar variation 3631053 (VCV003631053.3).